The following is an entry in ClinVar:

ClinVar aggregate classification (germline): Uncertain significance. Review status: criteria provided, multiple submitters, no conflicts (2 of 4 stars). 2 submissions from 2 submitters: Uncertain significance (2). Last evaluated 2025-05-06.

Conditions:
Charcot-Marie-Tooth disease type 4. Also called: Charcot-Marie-Tooth disease, type IV; Charcot-Marie-Tooth, Type 4. Identifiers: Orphanet 64749, MedGen C4082197, MONDO:0018995.
Inborn genetic diseases. Identifiers: MedGen C0950123, MeSH D030342.

Allele frequency attached by ClinVar (database versions not stated): gnomAD exomes below 0.00001; ExAC 0.00001.

Submissions (2):

Ambry Genetics
Classification: Uncertain significance for Inborn genetic diseases. Last evaluated: 2025-05-06. Review status: criteria provided, single submitter. Criteria: Ambry Variant Classification Scheme 2023. Collection method: clinical testing. Allele origin: germline.

Labcorp Genetics (formerly Invitae), Labcorp
Classification: Uncertain significance for Charcot-Marie-Tooth disease type 4. Last evaluated: 2022-06-03. Review status: criteria provided, single submitter. Criteria: Invitae Variant Classification Sherloc (09022015). Collection method: clinical testing. Allele origin: germline.
Comment: This sequence change replaces threonine, which is neutral and polar, with alanine, which is neutral and non-polar, at codon 623 of the MTMR2 protein (p.Thr623Ala). This variant is not present in population databases (gnomAD no frequency). This variant has not been reported in the literature in individuals affected with MTMR2-related conditions. ClinVar contains an entry for this variant (Variation ID: 961766). Advanced modeling of protein sequence and biophysical properties (such as structural, functional, and spatial information, amino acid conservation, physicochemical variation, residue mobility, and thermodynamic stability) performed at Invitae indicates that this missense variant is expected to disrupt MTMR2 protein function. In summary, the available evidence is currently insufficient to determine the role of this variant in disease. Therefore, it has been classified as a Variant of Uncertain Significance.

NM_016156.6(MTMR2):c.1867A>G (p.Thr623Ala)

Gene: MTMR2 (myotubularin related protein 2; minus strand). Cytogenetic location: 11q21.
Variant type: single nucleotide variant.
Coding change: c.1867A>G on transcript NM_016156.6 (MANE Select); coding-DNA position 1867, A replaced by G.
Protein change: p.Thr623Ala; replaces threonine 623 with alanine.
Molecular consequence: missense variant.
Genome position (GRCh38, 1-based): chr11:95,835,355, T>C on the plus strand (A>G on the coding strand, the complement: MTMR2 is on the minus strand). VCF-style: chr11-95835355-T-C. GRCh37 (hg19) VCF-style: chr11-95568519-T-C.
Other names: c.1651A>G, p.Thr551Ala (NM_001243571.2, NM_201278.3, NM_201281.3); short protein forms T551A, T623A.
Identifiers: ClinVar variation 961766 (VCV000961766.8), dbSNP rs770755992, ClinGen allele CA6239833.